The following is an entry in ClinVar:

ClinVar aggregate classification (germline): Likely benign (1 of 4 stars; one submission).

Submission:

Phosphorus, Inc.
Classification: Likely benign. Last evaluated: 2022-01-18. Review status: criteria provided, single submitter. Criteria: ACMG Guidelines, 2015. Collection method: clinical testing. Allele origin: germline. Inheritance: Autosomal dominant inheritance.
Comment: This synonymous variant is very rare and it has not occurred in population databases. This variant does not have an entry in ClinVar. This position is not conserved. In silico splicing algorithms predicted no impact on splicing (not found in scSNV). The variant has not occurred in the literature in the association with the disease. Considering that it is a silent change that does not have an apparent effect on RNA splicing machinery, the variant has been classified as Likely Benign.

NM_004415.4(DSP):c.444A>G (p.Gln148=)

Gene: DSP (desmoplakin; plus strand). Cytogenetic location: 6p24.3.
Variant type: single nucleotide variant.
Coding change: c.444A>G on transcript NM_004415.4 (MANE Select); coding-DNA position 444, A replaced by G.
Protein change: p.Gln148=; no amino-acid change (glutamine 148 retained).
Molecular consequence: synonymous variant.
Genome position (GRCh38, 1-based): chr6:7,559,247, A>G. VCF-style: chr6-7559247-A-G. GRCh37 (hg19) VCF-style: chr6-7559480-A-G.
Other names: c.444A>G, p.Gln148= (NM_001008844.3, NM_001319034.2).
Identifiers: ClinVar variation 1339310 (VCV001339310.1), dbSNP rs2113659625, ClinGen allele CA448513346.